The following is an entry in ClinVar:

NM_005207.4(CRKL):c.777+6A>G

Gene: CRKL (CRK like proto-oncogene, adaptor protein; plus strand). Cytogenetic location: 22q11.21.
Variant type: single nucleotide variant.
Coding change: c.777+6A>G on transcript NM_005207.4 (MANE Select); 6 bases into the intron after coding-DNA position 777, A replaced by G.
Molecular consequence: intron variant.
Genome position (GRCh38, 1-based): chr22:20,934,250, A>G. VCF-style: chr22-20934250-A-G. GRCh37 (hg19) VCF-style: chr22-21288538-A-G.
Identifiers: ClinVar variation 3693545 (VCV003693545.3).
Genomic context (GRCh38, chr22:20,934,250, plus strand): 5'-AGCAATCCAGAAAAGAGTACCCTGTGCTTATGACAAGACTGCCTTGGCATTAGAGGTAAA[A>G]TCTGTTCAGATTAGCTTTTTGGGTCCTTTGACATTTGGTTTTAATTTTTAGTTTTAGTTT-3'

ClinVar aggregate classification (germline): Conflicting classifications of pathogenicity. Review status: criteria provided, conflicting classifications (1 of 4 stars). 2 submissions from 2 submitters: Uncertain significance (1); Likely benign (1). Last evaluated 2025-01-28.

gnomAD v4.1: 32 of 1,605,246 alleles (0.002%); highest among the groups gnomAD compares: Non-Finnish European, 0.0026%; no homozygotes.

Submissions (2):

Labcorp Genetics (formerly Invitae), Labcorp
Classification: Uncertain significance. Last evaluated: 2025-01-28. Review status: criteria provided, single submitter. Criteria: Invitae Variant Classification Sherloc (09022015). Collection method: clinical testing. Allele origin: germline.
Comment: This sequence change falls in intron 2 of the CRKL gene. It does not directly change the encoded amino acid sequence of the CRKL protein. It affects a nucleotide within the consensus splice site. This variant is present in population databases (no rsID available, gnomAD 0.003%). This variant has not been reported in the literature in individuals affected with CRKL-related conditions. Variants that disrupt the consensus splice site are a relatively common cause of aberrant splicing (PMID: 17576681, 9536098). Algorithms developed to predict the effect of sequence changes on RNA splicing suggest that this variant is not likely to affect RNA splicing. In summary, the available evidence is currently insufficient to determine the role of this variant in disease. Therefore, it has been classified as a Variant of Uncertain Significance.

Blueprint Genetics
Classification: Likely benign. Last evaluated: 2021-11-09. Review status: criteria provided, single submitter. Criteria: ACMG Guidelines, 2015. Collection method: clinical testing. Allele origin: germline.

Literature cited by the submitters: PubMed 17576681 (cited by Labcorp Genetics (formerly Invitae), Labcorp); PubMed 9536098 (cited by Labcorp Genetics (formerly Invitae), Labcorp).